The following is an entry in ClinVar:

NM_015662.3(IFT172):c.3160G>C (p.Glu1054Gln)

Gene: IFT172 (intraflagellar transport 172; minus strand). Cytogenetic location: 2p23.3.
Variant type: single nucleotide variant.
Coding change: c.3160G>C on transcript NM_015662.3 (MANE Select); coding-DNA position 3160, G replaced by C.
Protein change: p.Glu1054Gln; replaces glutamic acid 1054 with glutamine.
Molecular consequence: missense variant.
Genome position (GRCh38, 1-based): chr2:27,457,707, C>G on the plus strand (G>C on the coding strand, the complement: IFT172 is on the minus strand). VCF-style: chr2-27457707-C-G. GRCh37 (hg19) VCF-style: chr2-27680574-C-G.
Other names: short protein forms E1054Q.
Identifiers: ClinVar variation 1022423 (VCV001022423.8), dbSNP rs763117647, ClinGen allele CA1580066.

ClinVar aggregate classification (germline): Uncertain significance (1 of 4 stars; one submission).

Conditions:
Short-rib thoracic dysplasia 10 with or without polydactyly (SRTD10). Identifiers: Orphanet 474, MedGen C3810175, MONDO:0014284, OMIM 615630.
Retinitis pigmentosa 71 (RP71). Identifiers: Orphanet 791, MedGen C4225342, MONDO:0014618, OMIM 616394.

gnomAD v4.1: 2 of 1,613,946 alleles (0.00012%); highest among the groups gnomAD compares: East Asian, 0.0045%; no homozygotes.

Submission:

Labcorp Genetics (formerly Invitae), Labcorp
Classification: Uncertain significance for Retinitis pigmentosa 71; Short-rib thoracic dysplasia 10 with or without polydactyly. Last evaluated: 2020-08-05. Review status: criteria provided, single submitter. Criteria: Invitae Variant Classification Sherloc (09022015). Collection method: clinical testing. Allele origin: germline.
Comment: This sequence change replaces glutamic acid with glutamine at codon 1054 of the IFT172 protein (p.Glu1054Gln). The glutamic acid residue is moderately conserved and there is a small physicochemical difference between glutamic acid and glutamine. This variant is present in population databases (rs763117647, ExAC 0.01%). This variant has not been reported in the literature in individuals with IFT172-related conditions. In summary, the available evidence is currently insufficient to determine the role of this variant in disease. Therefore, it has been classified as a Variant of Uncertain Significance. Algorithms developed to predict the effect of missense changes on protein structure and function (SIFT, PolyPhen-2, Align-GVGD) all suggest that this variant is likely to be tolerated, but these predictions have not been confirmed by published functional studies and their clinical significance is uncertain.